The following is an entry in ClinVar:

ClinVar aggregate classification (germline): Uncertain significance. Review status: criteria provided, multiple submitters, no conflicts (2 of 4 stars). 2 submissions from 2 submitters: Uncertain significance (2). Last evaluated 2025-08-07.

Submissions (2):

Labcorp Genetics (formerly Invitae), Labcorp
Classification: Uncertain significance. Last evaluated: 2025-08-07. Review status: criteria provided, single submitter. Criteria: Invitae Variant Classification Sherloc (09022015). Collection method: clinical testing. Allele origin: germline.
Comment: This sequence change replaces glycine, which is neutral and non-polar, with serine, which is neutral and polar, at codon 271 of the POU4F3 protein (p.Gly271Ser). This variant is present in population databases (rs375230760, gnomAD 0.004%). This variant has not been reported in the literature in individuals affected with POU4F3-related conditions. ClinVar contains an entry for this variant (Variation ID: 3381523). Invitae Evidence Modeling of protein sequence and biophysical properties (such as structural, functional, and spatial information, amino acid conservation, physicochemical variation, residue mobility, and thermodynamic stability) indicates that this missense variant is not expected to disrupt POU4F3 protein function with a negative predictive value of 80%. In summary, the available evidence is currently insufficient to determine the role of this variant in disease. Therefore, it has been classified as a Variant of Uncertain Significance.

GeneDx
Classification: Uncertain significance. Last evaluated: 2024-05-21. Review status: criteria provided, single submitter. Criteria: GeneDx Variant Classification Process June 2021. Collection method: clinical testing. Allele origin: germline. Affected: yes.
Comment: In silico analysis supports that this missense variant has a deleterious effect on protein structure/function; Has not been previously published as pathogenic or benign to our knowledge

NM_002700.3(POU4F3):c.811G>A (p.Gly271Ser)

Genes: POU4F3 (POU class 4 homeobox 3; plus strand), RBM27-POU4F3 (RBM27-POU4F3 readthrough; plus strand). Cytogenetic location: 5q32.
Variant type: single nucleotide variant.
Coding change: c.811G>A on transcript NM_002700.3 (MANE Select); coding-DNA position 811, G replaced by A.
Protein change: p.Gly271Ser; replaces glycine 271 with serine.
Molecular consequence: missense variant. On other transcripts: 3 prime UTR variant (1).
Genome position (GRCh38, 1-based): chr5:146,340,238, G>A. VCF-style: chr5-146340238-G-A. GRCh37 (hg19) VCF-style: chr5-145719801-G-A.
Other names: c.*680G>A (NM_001414499.1); short protein forms G271S.
Identifiers: ClinVar variation 3381523 (VCV003381523.2).